The following is an entry in ClinVar:

ClinVar aggregate classification (germline): Uncertain significance (1 of 4 stars; one submission).

Submission:

Women's Health and Genetics/Laboratory Corporation of America, LabCorp
Classification: Uncertain significance. Last evaluated: 2025-07-14. Review status: criteria provided, single submitter. Criteria: LabCorp Variant Classification Summary - May 2015. Collection method: clinical testing. Allele origin: germline.
Comment: Variant summary: ACTL6B c.112C>T (p.Pro38Ser) results in a non-conservative amino acid change in the encoded protein sequence. Algorithms developed to predict the effect of missense changes on protein structure and function all suggest that this variant is likely to be disruptive. The variant allele was found at a frequency of 4e-06 in 248874 control chromosomes (gnomAD). The available data on variant occurrences in the general population are insufficient to allow any conclusion about variant significance. To our knowledge, no occurrence of c.112C>T in individuals affected with ACTL6B-Related Disorders and no experimental evidence demonstrating its impact on protein function have been reported. No submitters have cited clinical-significance assessments for this variant to ClinVar. Based on the evidence outlined above, the variant was classified as uncertain significance.

NM_016188.5(ACTL6B):c.112C>T (p.Pro38Ser)

Gene: ACTL6B (actin like 6B; minus strand). Cytogenetic location: 7q22.1.
Variant type: single nucleotide variant.
Coding change: c.112C>T on transcript NM_016188.5 (MANE Select); coding-DNA position 112, C replaced by T.
Protein change: p.Pro38Ser; replaces proline 38 with serine.
Molecular consequence: missense variant. On other transcripts: non-coding transcript variant (1).
Genome position (GRCh38, 1-based): chr7:100,655,577, G>A on the plus strand (C>T on the coding strand, the complement: ACTL6B is on the minus strand). VCF-style: chr7-100655577-G-A. GRCh37 (hg19) VCF-style: chr7-100253200-G-A.
Other names: short protein forms P38S.
Identifiers: ClinVar variation 4525947 (VCV004525947.1).